The following is an entry in ClinVar:

NM_000059.4(BRCA2):c.468T>C (p.Asp156=)

Gene: BRCA2 (BRCA2 DNA repair associated; plus strand). Cytogenetic location: 13q13.1.
Variant type: single nucleotide variant.
Coding change: c.468T>C on transcript NM_000059.4 (MANE Select); coding-DNA position 468, T replaced by C.
Protein change: p.Asp156=; no amino-acid change (aspartic acid 156 retained).
Molecular consequence: synonymous variant. On other transcripts: non-coding transcript variant (1).
Genome position (GRCh38, 1-based): chr13:32,326,143, T>C. VCF-style: chr13-32326143-T-C. GRCh37 (hg19) VCF-style: chr13-32900280-T-C.
Other names: c.468T>C, p.Asp156= (NM_001406719.1, NM_001406720.1, NM_001406721.1 and 1 more transcripts); c.99T>C, p.Asp33= (NM_001406722.1).
Identifiers: ClinVar variation 3482014 (VCV003482014.3).

ClinVar aggregate classification (germline): Likely benign. Review status: criteria provided, multiple submitters, no conflicts (2 of 4 stars). 3 submissions from 3 submitters: Likely benign (3). Last evaluated 2025-12-29.

Conditions:
Hereditary cancer-predisposing syndrome. Also called: Tumor predisposition; Neoplastic Syndromes, Hereditary; Hereditary Cancer Syndrome; Hereditary neoplastic syndrome. Identifiers: Orphanet 140162, MedGen C0027672, MeSH D009386, MONDO:0015356.
Hereditary breast ovarian cancer syndrome. Also called: Hereditary breast and ovarian cancer; Breast and ovarian cancer; Hereditary breast and/or ovarian cancer syndrome; Hereditary breast and ovarian cancer syndrome; BRCA1- and BRCA2-Associated Hereditary Breast and Ovarian Cancer; Hereditary breast and ovarian cancer syndrome (HBOC). Identifiers: Orphanet 145, MedGen C0677776, MeSH D061325, MONDO:0003582. Disease mechanism: loss of function.

gnomAD v4.1: 1 of 1,609,132 alleles (0.000062%); highest among the groups gnomAD compares: South Asian, 0.0011%; no homozygotes.

Submissions (3):

Center for Genomic Medicine, Rigshospitalet, Copenhagen University Hospital
Classification: Likely benign. Last evaluated: 2025-12-29. Review status: criteria provided, single submitter. Criteria: ACMG Guidelines, 2015. Collection method: clinical testing. Allele origin: germline.
Comment: Classification criteria: PM2_supporting, BP1_Strong

Labcorp Genetics (formerly Invitae), Labcorp
Classification: Likely benign for Hereditary breast ovarian cancer syndrome. Last evaluated: 2025-09-10. Review status: criteria provided, single submitter. Criteria: Invitae Variant Classification Sherloc (09022015). Collection method: clinical testing. Allele origin: germline.

Ambry Genetics
Classification: Likely benign for Hereditary cancer-predisposing syndrome. Last evaluated: 2024-07-05. Review status: criteria provided, single submitter. Criteria: Ambry Variant Classification Scheme 2023. Collection method: clinical testing. Allele origin: germline.